The following is an entry in ClinVar:

ClinVar aggregate classification (germline): Likely benign (0 of 4 stars; one submission).

Conditions:
ATP2C2-related disorder. Also called: ATP2C2-related condition.

Allele frequency attached by ClinVar (database versions not stated): TOPMed 0.00002; ExAC 0.00006.
gnomAD v4.1: 58 of 1,614,178 alleles (0.0036%); highest among the groups gnomAD compares: Middle Eastern, 0.2%; no homozygotes.

Submission:

PreventionGenetics, part of Exact Sciences
Classification: Likely benign for ATP2C2-related condition. Last evaluated: 2019-07-18. Review status: no assertion criteria provided. Collection method: clinical testing. Allele origin: germline.
Comment: This variant is classified as likely benign based on ACMG/AMP sequence variant interpretation guidelines (Richards et al. 2015 PMID: 25741868, with internal and published modifications).

NM_014861.4(ATP2C2):c.2217-5C>T

Genes: ATP2C2 (ATPase secretory pathway Ca2+ transporting 2; plus strand), ATP2C2-AS1 (ATP2C2 antisense RNA 1; minus strand). Cytogenetic location: 16q24.1.
Variant type: single nucleotide variant.
Coding change: c.2217-5C>T on transcript NM_014861.4 (MANE Select); 5 bases into the intron before coding-DNA position 2217, C replaced by T.
Molecular consequence: intron variant. On other transcripts: non-coding transcript variant (1).
Genome position (GRCh38, 1-based): chr16:84,459,265, C>T. VCF-style: chr16-84459265-C-T. GRCh37 (hg19) VCF-style: chr16-84492871-C-T.
Other names: c.2217-5C>T (NM_001286527.3); c.1764-5C>T (NM_001291454.2).
Identifiers: ClinVar variation 3049310 (VCV003049310.2), dbSNP rs373954854, ClinGen allele CA8208021.
Genomic context (GRCh38, chr16:84,459,265, plus strand): 5'-ATTCCGAGTGTCATTAAGCACCACGCCTGGCGGGCGGCCGCTGACTGGCTGCGTGTGCCC[C>T]GCAGGAGCATCTCCGCCCTGAGTCTCATCACTCTGTCCACCGTGTTCAACCTGCCCAGCC-3'